The following is an entry in ClinVar:

NM_001378609.3(OTOGL):c.123C>T (p.Asn41=)

Gene: OTOGL (otogelin like; plus strand). Cytogenetic location: 12q21.31.
Variant type: single nucleotide variant.
Coding change: c.123C>T on transcript NM_001378609.3 (MANE Select); coding-DNA position 123, C replaced by T.
Protein change: p.Asn41=; no amino-acid change (asparagine 41 retained).
Molecular consequence: synonymous variant.
Genome position (GRCh38, 1-based): chr12:80,211,952, C>T. VCF-style: chr12-80211952-C-T. GRCh37 (hg19) VCF-style: chr12-80605732-C-T.
Other names: c.96C>T (NM_173591.3); c.123C>T, p.Asn41= (NM_001368062.3, NM_001378610.3, NM_173591.7).
Identifiers: ClinVar variation 2919027 (VCV002919027.5), dbSNP rs182902509, ClinGen allele CA6700065.

ClinVar aggregate classification (germline): Likely benign. Review status: criteria provided, single submitter (1 of 4 stars). 2 submissions from 2 submitters: Likely benign (1). 1 of the submissions does not count toward it. Last evaluated 2023-07-25.

Conditions:
OTOGL-related disorder. Also called: OTOGL-related condition.

Allele frequency attached by ClinVar (database versions not stated): gnomAD exomes 0.00002; gnomAD 0.00007; ExAC 0.00021; 1000 Genomes Project 0.00040; 1000 Genomes Project 30x 0.00062.
gnomAD v4.1: 42 of 1,568,550 alleles (0.0027%); highest among the groups gnomAD compares: East Asian, 0.046%; no homozygotes.

Submissions (2):

Labcorp Genetics (formerly Invitae), Labcorp
Classification: Likely benign. Last evaluated: 2023-07-25. Review status: criteria provided, single submitter. Criteria: Invitae Variant Classification Sherloc (09022015). Collection method: clinical testing. Allele origin: germline.

PreventionGenetics, part of Exact Sciences
Classification: Likely benign for OTOGL-related condition. Last evaluated: 2019-05-02. Review status: no assertion criteria provided. Collection method: clinical testing. Allele origin: germline. Not counted in ClinVar's aggregate classification.
Comment: This variant is classified as likely benign based on ACMG/AMP sequence variant interpretation guidelines (Richards et al. 2015 PMID: 25741868, with internal and published modifications).